The following is an entry in ClinVar:

ClinVar aggregate classification (germline): Pathogenic (1 of 4 stars; one submission).

Conditions:
Charlevoix-Saguenay spastic ataxia (SACS). Also called: AUTOSOMAL RECESSIVE SPASTIC ATAXIA OF CHARLEVOIX-SAGUENAY; Spastic ataxia of Charlevoix-Saguenay; SPASTIC ATAXIA 6, AUTOSOMAL RECESSIVE. Identifiers: Orphanet 98, MedGen C1849140, MONDO:0010041, OMIM 270550.

Submission:

Myriad Genetics, Inc.
Classification: Pathogenic for Charlevoix-Saguenay spastic ataxia. Last evaluated: 2023-11-20. Review status: criteria provided, single submitter. Criteria: Myriad Autosomal Dominant, Autosomal Recessive and X-Linked Classification Criteria (2023). Collection method: clinical testing. Allele origin: unknown.
Comment: NM_014363.4(SACS):c.471T>G(Y157*) is expected to be pathogenic in the context of autosomal recessive spastic ataxia of Charlevoix-Saguenay. This variant is predicted to lead to an abnormal or absent protein product due to the creation of a premature termination codon in SACS, a gene where loss-of-function variants are known to be pathogenic. Please note: this variant was assessed in the context of healthy population screening.

NM_014363.6(SACS):c.471T>G (p.Tyr157Ter)

Gene: SACS (sacsin molecular chaperone; minus strand). Cytogenetic location: 13q12.12.
Variant type: single nucleotide variant.
Coding change: c.471T>G on transcript NM_014363.6 (MANE Select); coding-DNA position 471, T replaced by G.
Protein change: p.Tyr157Ter; replaces tyrosine 157 with a stop codon.
Molecular consequence: nonsense.
Genome position (GRCh38, 1-based): chr13:23,358,468, A>C on the plus strand (T>G on the coding strand, the complement: SACS is on the minus strand). VCF-style: chr13-23358468-A-C. GRCh37 (hg19) VCF-style: chr13-23932607-A-C.
Other names: c.30T>G, p.Tyr10Ter (NM_001278055.2); c.471T>G, p.Tyr157Ter (NM_001437336.1); short protein forms Y10*, Y157*.
Identifiers: ClinVar variation 5012503 (VCV005012503.1).